The following is an entry in ClinVar:

NM_015040.4(PIKFYVE):c.322+5A>G

Gene: PIKFYVE (phosphoinositide kinase, FYVE-type zinc finger containing; plus strand). Cytogenetic location: 2q34.
Variant type: single nucleotide variant.
Coding change: c.322+5A>G on transcript NM_015040.4 (MANE Select); 5 bases into the intron after coding-DNA position 322, A replaced by G.
Molecular consequence: intron variant.
Genome position (GRCh38, 1-based): chr2:208,273,738, A>G. VCF-style: chr2-208273738-A-G. GRCh37 (hg19) VCF-style: chr2-209138462-A-G.
Other names: c.322+5A>G (NM_001178000.2, NM_152671.4).
Identifiers: ClinVar variation 3719011 (VCV003719011.2).

ClinVar aggregate classification (germline): Uncertain significance (1 of 4 stars; one submission).

gnomAD v4.1: 2 of 1,614,094 alleles (0.00012%); highest among the groups gnomAD compares: Non-Finnish European, 0.00017%; no homozygotes.

Submission:

Labcorp Genetics (formerly Invitae), Labcorp
Classification: Uncertain significance. Last evaluated: 2024-05-06. Review status: criteria provided, single submitter. Criteria: Invitae Variant Classification Sherloc (09022015). Collection method: clinical testing. Allele origin: germline.
Comment: This sequence change falls in intron 3 of the PIKFYVE gene. It does not directly change the encoded amino acid sequence of the PIKFYVE protein. It affects a nucleotide within the consensus splice site. This variant is not present in population databases (gnomAD no frequency). This variant has not been reported in the literature in individuals affected with PIKFYVE-related conditions. Variants that disrupt the consensus splice site are a relatively common cause of aberrant splicing (PMID: 17576681, 9536098). Algorithms developed to predict the effect of sequence changes on RNA splicing suggest that this variant is not likely to affect RNA splicing. In summary, the available evidence is currently insufficient to determine the role of this variant in disease. Therefore, it has been classified as a Variant of Uncertain Significance.

Literature cited by the submitters: PubMed 17576681; PubMed 9536098.